The following is an entry in ClinVar:

NM_007315.4(STAT1):c.1386C>A (p.Ser462Arg)

Gene: STAT1 (signal transducer and activator of transcription 1; minus strand). Cytogenetic location: 2q32.2.
Variant type: single nucleotide variant.
Coding change: c.1386C>A on transcript NM_007315.4 (MANE Select); coding-DNA position 1386, C replaced by A.
Protein change: p.Ser462Arg; replaces serine 462 with arginine.
Molecular consequence: missense variant.
Genome position (GRCh38, 1-based): chr2:190,983,702, G>T on the plus strand (C>A on the coding strand, the complement: STAT1 is on the minus strand). VCF-style: chr2-190983702-G-T. GRCh37 (hg19) VCF-style: chr2-191848428-G-T.
Other names: c.1326C>A, p.Ser442Arg (NM_001384880.1); c.1392C>A, p.Ser464Arg (NM_001384881.1, NM_001384884.1); c.1380C>A, p.Ser460Arg (NM_001384882.1); c.1287C>A, p.Ser429Arg (NM_001384883.1); c.1227C>A, p.Ser409Arg (NM_001384885.1); c.1386C>A, p.Ser462Arg (NM_001384886.1, NM_001384889.1, NM_139266.3); c.1293C>A, p.Ser431Arg (NM_001384887.1); c.1356C>A, p.Ser452Arg (NM_001384888.1); and 2 more; short protein forms S409R, S429R, S431R, S460R, S432R, S442R, S462R, S464R.
Identifiers: ClinVar variation 2098188 (VCV002098188.4), dbSNP rs2125022597, ClinGen allele CA349917270.
Genomic context (GRCh38, chr2:190,983,702, plus strand): 5'-CCTGGGTTCCGCCACCAGCATGTTGTACCAAAGGATGGAGGCCCAACCGCTCGGGAGCTG[G>T]CTGACGTTGGAGATCACCACAACGGGCAGAGAGGTCGTCTAAAGGATGACAAAGACCTTG-3'
Protein context (NP_009330.1, residues 452-472): SLPVVVISNV[Ser462Arg]QLPSGWASIL

ClinVar aggregate classification (germline): Uncertain significance (1 of 4 stars; one submission).

Conditions:
Immunodeficiency 31B. Also called: STAT1 DEFICIENCY, AUTOSOMAL RECESSIVE; IMMUNODEFICIENCY 31B, MYCOBACTERIAL AND VIRAL INFECTIONS, AUTOSOMAL RECESSIVE. Identifiers: Orphanet 391311, MedGen C3151088, MONDO:0013427, OMIM 613796.
Mendelian susceptibility to mycobacterial diseases due to partial STAT1 deficiency. Also called: Immunodeficiency 31a; IMMUNODEFICIENCY 31A, MYCOBACTERIOSIS, AUTOSOMAL DOMINANT; STAT1 DEFICIENCY, AUTOSOMAL DOMINANT. Identifiers: Orphanet 319595, MedGen C4013950, MONDO:0013956, OMIM 614892.
Autoimmune enteropathy and endocrinopathy - susceptibility to chronic infections syndrome. Also called: Immunodeficiency 31C, autosomal dominant; Immunodeficiency 31C. Identifiers: Orphanet 391487, MedGen C3279990, MONDO:0013599, OMIM 614162.

Submission:

Labcorp Genetics (formerly Invitae), Labcorp
Classification: Uncertain significance for Mendelian susceptibility to mycobacterial diseases due to partial STAT1 deficiency; Immunodeficiency 31B; Autoimmune enteropathy and endocrinopathy - susceptibility to chronic infections syndrome. Last evaluated: 2023-07-10. Review status: criteria provided, single submitter. Criteria: Invitae Variant Classification Sherloc (09022015). Collection method: clinical testing. Allele origin: germline.
Comment: This missense change has been observed in individual(s) with clinical features of chronic mucocutaneous candidiasis (PMID: 34114647). It has also been observed to segregate with disease in related individuals. This sequence change replaces serine, which is neutral and polar, with arginine, which is basic and polar, at codon 462 of the STAT1 protein (p.Ser462Arg). This variant is not present in population databases (gnomAD no frequency). ClinVar contains an entry for this variant (Variation ID: 2098188). An algorithm developed to predict the effect of missense changes on protein structure and function (PolyPhen-2) suggests that this variant is likely to be disruptive. In summary, the available evidence is currently insufficient to determine the role of this variant in disease. Therefore, it has been classified as a Variant of Uncertain Significance.

Literature cited by the submitters: PubMed 34114647.